The following is an entry in ClinVar:

ClinVar aggregate classification (germline): Likely benign. Review status: criteria provided, multiple submitters, no conflicts (2 of 4 stars). 3 submissions from 3 submitters: Likely benign (3). Last evaluated 2025-04-11.

Conditions:
Ehlers-Danlos syndrome, type 4 (EDSVASC). Also called: Ehlers-Danlos syndrome vascular type; Ehlers Danlos syndrome, ecchymotic type; Ehlers Danlos syndrome, arterial type; Ehlers Danlos syndrome, Sack-Barabas type; Ehlers-Danlos Syndrome Type IV. Identifiers: Orphanet 286, MedGen C0268338, MONDO:0017314, OMIM 130050.
Familial thoracic aortic aneurysm and aortic dissection (TAAD). Also called: Thoracic aortic aneurysms and dissections. Identifiers: Orphanet 91387, MedGen C4707243, MONDO:0019625.

Allele frequency attached by ClinVar (database versions not stated): gnomAD exomes below 0.00001; gnomAD 0.00001; TOPMed 0.00001.
gnomAD v4.1: 4 of 1,613,454 alleles (0.00025%); highest among the groups gnomAD compares: Admixed American, 0.0017%; no homozygotes.

Submissions (3):

Labcorp Genetics (formerly Invitae), Labcorp
Classification: Likely benign for Ehlers-Danlos syndrome, type 4. Last evaluated: 2025-04-11. Review status: criteria provided, single submitter. Criteria: Invitae Variant Classification Sherloc (09022015). Collection method: clinical testing. Allele origin: germline.

All of Us Research Program, National Institutes of Health
Classification: Likely benign for Ehlers-Danlos syndrome, type 4. Last evaluated: 2023-09-17. Review status: criteria provided, single submitter. Criteria: ACMG Guidelines, 2015. Collection method: clinical testing. Allele origin: germline. Inheritance: Autosomal dominant inheritance. Observed: 1 variant allele, 1 heterozygote.
Comment: This study involves interpretation of variants in research participants for the purpose of population health screening. Participant phenotype was not available at the time of variant classification. Additional details can be found in publication PMID: 35346344, PMCID: PMC8962531

Ambry Genetics
Classification: Likely benign for Familial thoracic aortic aneurysm and aortic dissection. Last evaluated: 2022-05-24. Review status: criteria provided, single submitter. Criteria: Ambry Variant Classification Scheme 2023. Collection method: clinical testing. Allele origin: germline.

NM_000090.4(COL3A1):c.1287T>C (p.Gly429=)

Gene: COL3A1 (collagen type III alpha 1 chain; plus strand). Cytogenetic location: 2q32.2.
Variant type: single nucleotide variant.
Coding change: c.1287T>C on transcript NM_000090.4 (MANE Select); coding-DNA position 1287, T replaced by C.
Protein change: p.Gly429=; no amino-acid change (glycine 429 retained).
Molecular consequence: synonymous variant.
Genome position (GRCh38, 1-based): chr2:188,994,326, T>C. VCF-style: chr2-188994326-T-C. GRCh37 (hg19) VCF-style: chr2-189859052-T-C.
Identifiers: ClinVar variation 1769004 (VCV001769004.5), dbSNP rs1289997955, ClinGen allele CA430309509.
Genomic context (GRCh38, chr2:188,994,326, plus strand): 5'-GATGGGAGCCCGGGGTCCTCCAGGACCAGCCGGTGCTAATGGTGCTCCTGGACTGCGAGG[T>C]GGTGCAGTAAGTTGCCTTGTTTTTTCTCTGTTGACTGAAAGGTATAGTTTAATTCCATCA-3'
Protein context (NP_000081.2, residues 419-439): AGANGAPGLR[Gly429=]GAGEPGKNGA